The following is an entry in ClinVar:

ClinVar aggregate classification (germline): Uncertain significance (1 of 4 stars; one submission).

Submission:

Labcorp Genetics (formerly Invitae), Labcorp
Classification: Uncertain significance. Last evaluated: 2024-06-30. Review status: criteria provided, single submitter. Criteria: Invitae Variant Classification Sherloc (09022015). Collection method: clinical testing. Allele origin: germline.
Comment: This sequence change replaces alanine, which is neutral and non-polar, with threonine, which is neutral and polar, at codon 497 of the FSCN2 protein (p.Ala497Thr). This variant is not present in population databases (gnomAD no frequency). This variant has not been reported in the literature in individuals affected with FSCN2-related conditions. An algorithm developed to predict the effect of missense changes on protein structure and function (PolyPhen-2) suggests that this variant is likely to be tolerated. In summary, the available evidence is currently insufficient to determine the role of this variant in disease. Therefore, it has been classified as a Variant of Uncertain Significance.

NM_012418.4(FSCN2):c.1417G>A (p.Ala473Thr)

Gene: FSCN2 (fascin actin-bundling protein 2, retinal; plus strand). Cytogenetic location: 17q25.3.
Variant type: single nucleotide variant.
Coding change: c.1417G>A on transcript NM_012418.4 (MANE Select); coding-DNA position 1417, G replaced by A.
Protein change: p.Ala473Thr; replaces alanine 473 with threonine.
Molecular consequence: missense variant.
Genome position (GRCh38, 1-based): chr17:81,537,018, G>A. VCF-style: chr17-81537018-G-A. GRCh37 (hg19) VCF-style: chr17-79504044-G-A.
Other names: c.1489G>A, p.Ala497Thr (NM_001077182.3); short protein forms A473T, A497T.
Identifiers: ClinVar variation 3697497 (VCV003697497.2).
Genomic context (GRCh38, chr17:81,537,018, plus strand): 5'-TTCCGTGAGCGCGGCCGCCTGGCCATCCGCGCCCGGAGCGGCAAGTACCTGCGCGGCGGC[G>A]CCTCGGGCCTGCTGCGGGCCGATGCCGACGCCCCGGCCGGGACCGCGCTTTGGGAGTACT-3'
Protein context (NP_036550.1, residues 463-483): ARSGKYLRGG[Ala473Thr]SGLLRADADA